The following is an entry in ClinVar:

ClinVar aggregate classification (germline): Uncertain significance. Review status: criteria provided, multiple submitters, no conflicts (2 of 4 stars). 3 submissions from 3 submitters: Uncertain significance (3). Last evaluated 2025-04-23.

Conditions:
Inborn genetic diseases. Identifiers: MedGen C0950123, MeSH D030342.

Allele frequency attached by ClinVar (database versions not stated): gnomAD 0.00008 and 0.00015; TOPMed 0.00015; gnomAD exomes 0.00006 and 0.00009; ExAC 0.00003; ESP Exome Variant Server 0.00008.
gnomAD v4.1: 144 of 1,613,628 alleles (0.0089%); highest among the groups gnomAD compares: Non-Finnish European, 0.011%; no homozygotes.

Submissions (3):

GeneDx
Classification: Uncertain significance. Last evaluated: 2025-04-23. Review status: criteria provided, single submitter. Criteria: GeneDx Variant Classification Process June 2021. Collection method: clinical testing. Allele origin: germline. Affected: yes.
Comment: Not observed at significant frequency in large population cohorts (gnomAD); In silico analysis indicates that this missense variant does not alter protein structure/function; Has not been previously published as pathogenic or benign to our knowledge

Ambry Genetics
Classification: Uncertain significance for Inborn genetic diseases. Last evaluated: 2024-03-08. Review status: criteria provided, single submitter. Criteria: Ambry Variant Classification Scheme 2023. Collection method: clinical testing. Allele origin: germline.

Labcorp Genetics (formerly Invitae), Labcorp
Classification: Uncertain significance. Last evaluated: 2021-11-29. Review status: criteria provided, single submitter. Criteria: Invitae Variant Classification Sherloc (09022015). Collection method: clinical testing. Allele origin: germline.
Comment: This sequence change replaces asparagine, which is neutral and polar, with aspartic acid, which is acidic and polar, at codon 416 of the DARS2 protein (p.Asn416Asp). This variant is present in population databases (rs138154457, gnomAD 0.01%). This variant has not been reported in the literature in individuals affected with DARS2-related conditions. Advanced modeling of protein sequence and biophysical properties (such as structural, functional, and spatial information, amino acid conservation, physicochemical variation, residue mobility, and thermodynamic stability) performed at Invitae indicates that this missense variant is not expected to disrupt DARS2 protein function. In summary, the available evidence is currently insufficient to determine the role of this variant in disease. Therefore, it has been classified as a Variant of Uncertain Significance.

NM_018122.5(DARS2):c.1246A>G (p.Asn416Asp)

Gene: DARS2 (aspartyl-tRNA synthetase 2, mitochondrial; plus strand). Cytogenetic location: 1q25.1.
Variant type: single nucleotide variant.
Coding change: c.1246A>G on transcript NM_018122.5 (MANE Select); coding-DNA position 1246, A replaced by G.
Protein change: p.Asn416Asp; replaces asparagine 416 with aspartic acid.
Molecular consequence: missense variant. On other transcripts: intron variant (1).
Genome position (GRCh38, 1-based): chr1:173,850,381, A>G. VCF-style: chr1-173850381-A-G. GRCh37 (hg19) VCF-style: chr1-173819519-A-G.
Other names: c.1246A>G (NM_018122.4); c.1246A>G, p.Asn416Asp (NM_001365213.2); c.1192-2968A>G (NM_001365212.1); short protein forms N416D.
Identifiers: ClinVar variation 1467107 (VCV001467107.5), dbSNP rs138154457, ClinGen allele CA1250377.